The following is an entry in ClinVar:

NM_001365999.1(SZT2):c.781G>A (p.Val261Met)

Gene: SZT2 (SZT2 subunit of KICSTOR complex; plus strand). Cytogenetic location: 1p34.2.
Variant type: single nucleotide variant.
Coding change: c.781G>A on transcript NM_001365999.1 (MANE Select); coding-DNA position 781, G replaced by A.
Protein change: p.Val261Met; replaces valine 261 with methionine.
Molecular consequence: missense variant.
Genome position (GRCh38, 1-based): chr1:43,416,543, G>A. VCF-style: chr1-43416543-G-A. GRCh37 (hg19) VCF-style: chr1-43882214-G-A.
Other names: c.781G>A, p.Val261Met (NM_015284.4); c.781G>A (NM_015284.3); short protein forms V261M.
Identifiers: ClinVar variation 1402982 (VCV001402982.10), dbSNP rs545791977, ClinGen allele CA808273.

ClinVar aggregate classification (germline): Uncertain significance. Review status: criteria provided, multiple submitters, no conflicts (2 of 4 stars). 2 submissions from 2 submitters: Uncertain significance (2). Last evaluated 2024-09-09.

Conditions:
Inborn genetic diseases. Identifiers: MedGen C0950123, MeSH D030342.

Allele frequency attached by ClinVar (database versions not stated): gnomAD 0.00001; gnomAD exomes 0.00001; TOPMed 0.00001; ExAC 0.00003; 1000 Genomes Project 0.00020; 1000 Genomes Project 30x 0.00031.

Submissions (2):

Ambry Genetics
Classification: Uncertain significance for Inborn genetic diseases. Last evaluated: 2024-09-09. Review status: criteria provided, single submitter. Criteria: Ambry Variant Classification Scheme 2023. Collection method: clinical testing. Allele origin: germline.

Labcorp Genetics (formerly Invitae), Labcorp
Classification: Uncertain significance. Last evaluated: 2022-07-06. Review status: criteria provided, single submitter. Criteria: Invitae Variant Classification Sherloc (09022015). Collection method: clinical testing. Allele origin: germline.
Comment: Algorithms developed to predict the effect of missense changes on protein structure and function are either unavailable or do not agree on the potential impact of this missense change (SIFT: "Deleterious"; PolyPhen-2: "Benign"; Align-GVGD: "Class C0"). In summary, the available evidence is currently insufficient to determine the role of this variant in disease. Therefore, it has been classified as a Variant of Uncertain Significance. ClinVar contains an entry for this variant (Variation ID: 1402982). This variant has not been reported in the literature in individuals affected with SZT2-related conditions. This variant is present in population databases (rs545791977, gnomAD 0.007%). This sequence change replaces valine, which is neutral and non-polar, with methionine, which is neutral and non-polar, at codon 261 of the SZT2 protein (p.Val261Met).